The following is an entry in ClinVar:

NM_001079827.2(CLRN2):c.24G>A (p.Ala8=)

Gene: CLRN2 (clarin 2; plus strand). Cytogenetic location: 4p15.32.
Variant type: single nucleotide variant.
Coding change: c.24G>A on transcript NM_001079827.2 (MANE Select); coding-DNA position 24, G replaced by A.
Protein change: p.Ala8=; no amino-acid change (alanine 8 retained).
Molecular consequence: synonymous variant.
Genome position (GRCh38, 1-based): chr4:17,515,290, G>A. VCF-style: chr4-17515290-G-A. GRCh37 (hg19) VCF-style: chr4-17516913-G-A.
Identifiers: ClinVar variation 4978613 (VCV004978613.1).

ClinVar aggregate classification (germline): Likely benign (1 of 4 stars; one submission).

Conditions:
CLRN2-related disorder. Also called: CLRN2-related condition.

gnomAD v4.1: 36 of 1,613,856 alleles (0.0022%); highest among the groups gnomAD compares: Admixed American, 0.01%; no homozygotes.

Submission:

PreventionGenetics, part of Exact Sciences
Classification: Likely benign for CLRN2-related condition. Last evaluated: 2025-03-22. Review status: criteria provided, single submitter. Criteria: ACMG Guidelines, 2015. Collection method: clinical testing. Allele origin: germline.
Comment: This variant is classified as likely benign based on ACMG/AMP sequence variant interpretation guidelines (Richards et al. 2015 PMID: 25741868, with internal and published modifications).